The following is an entry in ClinVar:

ClinVar aggregate classification (germline): Pathogenic (1 of 4 stars; one submission).

Conditions:
Fucosidosis. Also called: ALPHA-L-FUCOSIDASE DEFICIENCY. Identifiers: Orphanet 349, MedGen C0016788, MONDO:0009254, OMIM 230000.

Submission:

Labcorp Genetics (formerly Invitae), Labcorp
Classification: Pathogenic for Fucosidosis. Last evaluated: 2023-06-15. Review status: criteria provided, single submitter. Criteria: Invitae Variant Classification Sherloc (09022015). Collection method: clinical testing. Allele origin: germline.
Comment: For these reasons, this variant has been classified as Pathogenic. This variant has not been reported in the literature in individuals affected with FUCA1-related conditions. This variant is not present in population databases (gnomAD no frequency). This sequence change creates a premature translational stop signal (p.Ser27*) in the FUCA1 gene. It is expected to result in an absent or disrupted protein product. Loss-of-function variants in FUCA1 are known to be pathogenic (PMID: 10094192).

Literature cited by the submitters: PubMed 10094192.

NM_000147.5(FUCA1):c.80C>A (p.Ser27Ter)

Gene: FUCA1 (alpha-L-fucosidase 1; minus strand). Cytogenetic location: 1p36.11.
Variant type: single nucleotide variant.
Coding change: c.80C>A on transcript NM_000147.5 (MANE Select); coding-DNA position 80, C replaced by A.
Protein change: p.Ser27Ter; replaces serine 27 with a stop codon.
Molecular consequence: nonsense. On other transcripts: non-coding transcript variant (4).
Genome position (GRCh38, 1-based): chr1:23,868,207, G>T on the plus strand (C>A on the coding strand, the complement: FUCA1 is on the minus strand). VCF-style: chr1-23868207-G-T. GRCh37 (hg19) VCF-style: chr1-24194697-G-T.
Other names: short protein forms S27*.
Identifiers: ClinVar variation 2824353 (VCV002824353.3), dbSNP rs1484147379, ClinGen allele CA339010674.